The following is an entry in ClinVar:

ClinVar aggregate classification (germline): Uncertain significance. Review status: criteria provided, multiple submitters, no conflicts (2 of 4 stars). 2 submissions from 2 submitters: Uncertain significance (2). Last evaluated 2026-06-26.

gnomAD v4.1: 156 of 1,613,376 alleles (0.0097%); highest among the groups gnomAD compares: African/African-American, 0.16%; no homozygotes.

Submissions (2):

Greenwood Genetic Center Diagnostic Laboratories, Greenwood Genetic Center
Classification: Uncertain significance. Last evaluated: 2026-06-26. Review status: criteria provided, single submitter. Criteria: ACMG Guidelines, 2015. Collection method: clinical testing. Allele origin: germline.
Comment: PM2

Ambry Genetics
Classification: Uncertain significance. Last evaluated: 2025-11-13. Review status: criteria provided, single submitter. Criteria: Ambry Variant Classification Scheme 2023. Collection method: clinical testing. Allele origin: germline.

NM_019024.3(HEATR5B):c.1219G>A (p.Ala407Thr)

Gene: HEATR5B (HEAT repeat containing 5B; minus strand). Cytogenetic location: 2p22.2.
Variant type: single nucleotide variant.
Coding change: c.1219G>A on transcript NM_019024.3 (MANE Select); coding-DNA position 1219, G replaced by A.
Protein change: p.Ala407Thr; replaces alanine 407 with threonine.
Molecular consequence: missense variant.
Genome position (GRCh38, 1-based): chr2:37,065,869, C>T on the plus strand (G>A on the coding strand, the complement: HEATR5B is on the minus strand). VCF-style: chr2-37065869-C-T. GRCh37 (hg19) VCF-style: chr2-37293012-C-T.
Other names: short protein forms A407T.
Identifiers: ClinVar variation 4675376 (VCV004675376.2).